The following is an entry in ClinVar:

ClinVar aggregate classification (germline): Conflicting classifications of pathogenicity. Review status: criteria provided, conflicting classifications (1 of 4 stars). 2 submissions from 2 submitters: Uncertain significance (1); Likely benign (1). Last evaluated 2026-03-27.

Allele frequency attached by ClinVar (database versions not stated): gnomAD exomes 0.00002; TOPMed 0.00002; gnomAD 0.00001.
gnomAD v4.1: 35 of 1,613,168 alleles (0.0022%); highest among the groups gnomAD compares: Non-Finnish European, 0.003%; no homozygotes.

Submissions (2):

Molecular Diagnostic Laboratory for Inherited Cardiovascular Disease, Montreal Heart Institute
Classification: Likely benign. Last evaluated: 2026-03-27. Review status: criteria provided, single submitter. Criteria: ACMG Guidelines, 2015. Collection method: clinical testing. Allele origin: germline. Affected: no.
Comment: BP1

Revvity Omics, Revvity
Classification: Uncertain significance. Last evaluated: 2021-07-13. Review status: criteria provided, single submitter. Criteria: ACMG Guidelines, 2015. Collection method: clinical testing. Allele origin: germline.

NM_001267550.2(TTN):c.67451T>C (p.Ile22484Thr)

Genes: TTN-AS1 (TTN antisense RNA 1; plus strand), TTN (titin; minus strand), LOC126806423 (CDK7 strongly-dependent group 2 enhancer GRCh37_chr2:179443309-179444508; plus strand). Cytogenetic location: 2q31.2.
Variant type: single nucleotide variant.
Coding change: c.67451T>C on transcript NM_001267550.2 (MANE Select); coding-DNA position 67451, T replaced by C.
Protein change: p.Ile22484Thr; replaces isoleucine 22484 with threonine.
Molecular consequence: missense variant.
Genome position (GRCh38, 1-based): chr2:178,579,746, A>G on the plus strand (T>C on the coding strand, the complement: TTN is on the minus strand). VCF-style: chr2-178579746-A-G. GRCh37 (hg19) VCF-style: chr2-179444473-A-G.
Other names: c.62528T>C, p.Ile20843Thr (NM_001256850.1); c.40256T>C, p.Ile13419Thr (NM_003319.4); c.59747T>C, p.Ile19916Thr (NM_133378.4); c.40631T>C, p.Ile13544Thr (NM_133432.3); c.40832T>C, p.Ile13611Thr (NM_133437.4); short protein forms I13419T, I13544T, I13611T, I19916T, I20843T, I22484T.
Identifiers: ClinVar variation 2438146 (VCV002438146.4), dbSNP rs903308296, ClinGen allele CA60957093.